The following is an entry in ClinVar:

ClinVar aggregate classification (germline): Uncertain significance. Review status: criteria provided, multiple submitters, no conflicts (2 of 4 stars). 2 submissions from 2 submitters: Uncertain significance (2). Last evaluated 2026-07-06.

Conditions:
Hereditary cancer-predisposing syndrome. Also called: Tumor predisposition; Hereditary Cancer Syndrome; Hereditary neoplastic syndrome; Neoplastic Syndromes, Hereditary. Identifiers: Orphanet 140162, MedGen C0027672, MeSH D009386, MONDO:0015356.

Submissions (2):

Ambry Genetics
Classification: Uncertain significance for Hereditary cancer-predisposing syndrome. Last evaluated: 2026-07-06. Review status: criteria provided, single submitter. Criteria: Ambry Variant Classification Scheme 2023. Collection method: clinical testing. Allele origin: germline.
Comment: The p.S207F variant (also known as c.620C>T), located in coding exon 4 of the NTHL1 gene, results from a C to T substitution at nucleotide position 620. The serine at codon 207 is replaced by phenylalanine, an amino acid with highly dissimilar properties. This amino acid position is conserved. In addition, this alteration is predicted to be tolerated by in silico analysis. Based on the available evidence, the clinical significance of this variant remains unclear.

Labcorp Genetics (formerly Invitae), Labcorp
Classification: Uncertain significance. Last evaluated: 2021-10-05. Review status: criteria provided, single submitter. Criteria: Invitae Variant Classification Sherloc (09022015). Collection method: clinical testing. Allele origin: germline.
Comment: In summary, the available evidence is currently insufficient to determine the role of this variant in disease. Therefore, it has been classified as a Variant of Uncertain Significance. Algorithms developed to predict the effect of missense changes on protein structure and function are either unavailable or do not agree on the potential impact of this missense change (SIFT: "Not Available"; PolyPhen-2: "Possibly Damaging"; Align-GVGD: "Not Available"). This variant has not been reported in the literature in individuals affected with NTHL1-related conditions. This variant is not present in population databases (ExAC no frequency). This sequence change replaces serine with phenylalanine at codon 207 of the NTHL1 protein (p.Ser207Phe). The serine residue is moderately conserved and there is a large physicochemical difference between serine and phenylalanine.

NM_002528.7(NTHL1):c.596C>T (p.Ser199Phe)

Gene: NTHL1 (nth like DNA glycosylase 1; minus strand). Cytogenetic location: 16p13.3.
Variant type: single nucleotide variant.
Coding change: c.596C>T on transcript NM_002528.7 (MANE Select); coding-DNA position 596, C replaced by T.
Protein change: p.Ser199Phe; replaces serine 199 with phenylalanine.
Molecular consequence: missense variant.
Genome position (GRCh38, 1-based): chr16:2,043,656, G>A on the plus strand (C>T on the coding strand, the complement: NTHL1 is on the minus strand). VCF-style: chr16-2043656-G-A. GRCh37 (hg19) VCF-style: chr16-2093657-G-A.
Other names: c.425C>T, p.Ser142Phe (NM_001318193.2); c.266C>T, p.Ser89Phe (NM_001318194.2); c.620C>T (NM_002528.5); short protein forms S89F, S199F, S142F.
Identifiers: ClinVar variation 1056418 (VCV001056418.6), dbSNP rs2084299591, ClinGen allele CA394291727.